The following is an entry in ClinVar:

NM_001148.6(ANK2):c.5460A>G (p.Pro1820=)

Genes: ANK2 (ankyrin 2; plus strand), LOC126807136 (MED14-independent group 3 enhancer GRCh37_chr4:114274931-114276130; plus strand). Cytogenetic location: 4q26.
Variant type: single nucleotide variant.
Coding change: c.5460A>G on transcript NM_001148.6 (MANE Select); coding-DNA position 5460, A replaced by G.
Protein change: p.Pro1820=; no amino-acid change (proline 1820 retained).
Molecular consequence: synonymous variant. On other transcripts: intron variant (68).
Genome position (GRCh38, 1-based): chr4:113,354,078, A>G. VCF-style: chr4-113354078-A-G. GRCh37 (hg19) VCF-style: chr4-114275234-A-G.
Other names: c.5226A>G, p.Pro1742= (NM_001386142.1); c.1860A>G, p.Pro620= (NM_001386166.1); c.5601A>G, p.Pro1867= (NM_001386174.1); c.5577A>G, p.Pro1859= (NM_001386175.1); c.4411+3829A>G (NM_001386186.2, NM_001386148.2); c.4213+3829A>G (NM_001354269.3); c.4291+3829A>G (NM_001386187.2); c.4252+3829A>G (NM_001386147.1); and 35 more.
Identifiers: ClinVar variation 4534785 (VCV004534785.6).

ClinVar aggregate classification (germline): Likely benign (1 of 4 stars; one submission).

Submission:

CeGaT Center for Human Genetics Tuebingen
Classification: Likely benign. Last evaluated: 2025-11-01. Review status: criteria provided, single submitter. Criteria: CeGaT Center For Human Genetics Tuebingen Variant Classification Criteria Version 2. Collection method: clinical testing. Allele origin: germline. Affected: yes. Observed: 1 variant allele.
Comment: ANK2: PM2:Supporting, BP4, BP7